The following is an entry in ClinVar:

NM_000179.3(MSH6):c.165T>C (p.Pro55=)

Gene: MSH6 (mutS homolog 6; plus strand). Cytogenetic location: 2p16.3.
Variant type: single nucleotide variant.
Coding change: c.165T>C on transcript NM_000179.3 (MANE Select); coding-DNA position 165, T replaced by C.
Protein change: p.Pro55=; no amino-acid change (proline 55 retained).
Molecular consequence: synonymous variant. On other transcripts: 5 prime UTR variant (1).
Genome position (GRCh38, 1-based): chr2:47,783,398, T>C. VCF-style: chr2-47783398-T-C. GRCh37 (hg19) VCF-style: chr2-48010537-T-C.
Other names: c.165T>C, p.Pro55= (NM_001281492.2); c.-572T>C (NM_001281493.2).
Identifiers: ClinVar variation 525898 (VCV000525898.14), dbSNP rs1553408290, ClinGen allele CA346734979.

ClinVar aggregate classification (germline): Benign/Likely benign. Review status: criteria provided, multiple submitters, no conflicts (2 of 4 stars). 3 submissions from 3 submitters: Benign (1); Likely benign (2). Last evaluated 2024-12-17.

Conditions:
Hereditary nonpolyposis colorectal neoplasms. Identifiers: MedGen C0009405, MeSH D003123.
Lynch syndrome 5 (LYNCH5). Also called: Colorectal cancer, hereditary nonpolyposis, type 5; Hereditary non-polyposis colorectal cancer, type 5. Identifiers: Orphanet 144, MedGen C1833477, MONDO:0013710, OMIM 614350. Disease mechanism: loss of function.
Hereditary cancer-predisposing syndrome. Also called: Neoplastic Syndromes, Hereditary; Tumor predisposition; Hereditary Cancer Syndrome; Hereditary neoplastic syndrome. Identifiers: Orphanet 140162, MedGen C0027672, MeSH D009386, MONDO:0015356.

Allele frequency attached by ClinVar (database versions not stated): gnomAD exomes below 0.00001.
gnomAD v4.1: 1 of 1,568,870 alleles (0.000064%); highest among the groups gnomAD compares: Non-Finnish European, 0.000086%; no homozygotes.

Submissions (3):

Myriad Genetics, Inc.
Classification: Benign for Lynch syndrome 5. Last evaluated: 2024-12-17. Review status: criteria provided, single submitter. Criteria: Myriad Autosomal Dominant, Autosomal Recessive and X-Linked Classification Criteria (2023). Collection method: clinical testing. Allele origin: unknown.
Comment: This variant is considered benign. This variant is a silent/synonymous amino acid change and it is not expected to impact splicing.

Labcorp Genetics (formerly Invitae), Labcorp
Classification: Likely benign for Hereditary nonpolyposis colorectal neoplasms. Last evaluated: 2024-08-15. Review status: criteria provided, single submitter. Criteria: Invitae Variant Classification Sherloc (09022015). Collection method: clinical testing. Allele origin: germline.

Ambry Genetics
Classification: Likely benign for Hereditary cancer-predisposing syndrome. Last evaluated: 2023-07-27. Review status: criteria provided, single submitter. Criteria: Ambry Variant Classification Scheme 2023. Collection method: clinical testing. Allele origin: germline.